The following is an entry in ClinVar:

NM_000059.4(BRCA2):c.5808G>A (p.Met1936Ile)

Gene: BRCA2 (BRCA2 DNA repair associated; plus strand). Cytogenetic location: 13q13.1.
Variant type: single nucleotide variant.
Coding change: c.5808G>A on transcript NM_000059.4 (MANE Select); coding-DNA position 5808, G replaced by A.
Protein change: p.Met1936Ile; replaces methionine 1936 with isoleucine.
Molecular consequence: missense variant.
Genome position (GRCh38, 1-based): chr13:32,340,163, G>A. VCF-style: chr13-32340163-G-A. GRCh37 (hg19) VCF-style: chr13-32914300-G-A.
Other names: short protein forms M1936I.
Identifiers: ClinVar variation 185665 (VCV000185665.60), dbSNP rs759138390, ClinGen allele CA023262.

ClinVar aggregate classification (germline): Conflicting classifications of pathogenicity. Review status: criteria provided, conflicting classifications (1 of 4 stars). 16 submissions from 16 submitters: Uncertain significance (9); Likely benign (5). 2 of the submissions do not count toward it. Last evaluated 2025-12-22.

Conditions:
BRCA2-related disorder. Also called: BRCA2-related condition; BRCA2-related disorders. Identifiers: MedGen CN239275.
Hereditary cancer-predisposing syndrome. Also called: Neoplastic Syndromes, Hereditary; Tumor predisposition; Hereditary neoplastic syndrome; Hereditary Cancer Syndrome. Identifiers: Orphanet 140162, MedGen C0027672, MeSH D009386, MONDO:0015356.
Familial cancer of breast. Also called: Hereditary breast cancer; BREAST CANCER, FAMILIAL; hereditary breast carcinoma. Identifiers: Orphanet 227535, MedGen C0346153, MONDO:0016419, OMIM 114480. Disease mechanism: loss of function.
Breast-ovarian cancer, familial, susceptibility to, 2 (BROVCA2). Also called: BRCA2 Hereditary Breast and Ovarian Cancer. Identifiers: Orphanet 145, MedGen C2675520, MONDO:0012933, OMIM 612555. Disease mechanism: loss of function.
Hereditary breast ovarian cancer syndrome. Also called: Hereditary breast and/or ovarian cancer syndrome; Hereditary breast and ovarian cancer syndrome; Hereditary breast and ovarian cancer; Hereditary breast and ovarian cancer syndrome (HBOC); Breast and ovarian cancer; BRCA1- and BRCA2-Associated Hereditary Breast and Ovarian Cancer. Identifiers: Orphanet 145, MedGen C0677776, MeSH D061325, MONDO:0003582. Disease mechanism: loss of function.

Allele frequency attached by ClinVar (database versions not stated): gnomAD exomes below 0.00001 and 0.00001; ExAC 0.00001; gnomAD 0.00001; TOPMed 0.00002.

Submissions (16):

Labcorp Genetics (formerly Invitae), Labcorp
Classification: Uncertain significance for Hereditary breast ovarian cancer syndrome. Last evaluated: 2025-12-22. Review status: criteria provided, single submitter. Criteria: Invitae Variant Classification Sherloc (09022015). Collection method: clinical testing. Allele origin: germline.
Comment: This sequence change replaces methionine, which is neutral and non-polar, with isoleucine, which is neutral and non-polar, at codon 1936 of the BRCA2 protein (p.Met1936Ile). This variant is present in population databases (rs759138390, gnomAD 0.007%). This missense change has been observed in individual(s) with a personal and/or family history of breast/ovarian cancer (PMID: 16683254, 36329109). ClinVar contains an entry for this variant (Variation ID: 185665). Invitae Evidence Modeling of protein sequence and biophysical properties (such as structural, functional, and spatial information, amino acid conservation, physicochemical variation, residue mobility, and thermodynamic stability) indicates that this missense variant is not expected to disrupt BRCA2 protein function with a negative predictive value of 95%. In summary, the available evidence is currently insufficient to determine the role of this variant in disease. Therefore, it has been classified as a Variant of Uncertain Significance.

Color Diagnostics, LLC DBA Color Health
Classification: Uncertain significance for Hereditary cancer-predisposing syndrome. Last evaluated: 2025-10-14. Review status: criteria provided, single submitter. Criteria: ACMG Guidelines, 2015. Collection method: clinical testing. Allele origin: germline.
Comment: This missense variant replaces methionine with isoleucine at codon 1936 of the BRCA2 protein. Computational prediction suggests that this variant may not impact protein structure and function. To our knowledge, functional studies have not been reported for this variant. This variant has been reported in an individual affected with breast cancer (PMID: 36329109) and in a suspected hereditary breast and ovarian cancer family (PMID: 16683254). This variant has been identified in 8/1613048 chromosomes in the general population by the Genome Aggregation Database (gnomAD). The available evidence is insufficient to determine the role of this variant in disease conclusively. Therefore, this variant is classified as a Variant of Uncertain Significance.

Myriad Genetics, Inc.
Classification: Likely benign for Breast-ovarian cancer, familial, susceptibility to, 2. Last evaluated: 2025-08-26. Review status: criteria provided, single submitter. Criteria: Myriad Autosomal Dominant, Autosomal Recessive and X-Linked Classification Criteria (2023). Collection method: clinical testing. Allele origin: unknown.
Comment: This variant is considered likely benign. This variant is strongly associated with less severe personal and family histories of cancer, typical for individuals without pathogenic variants in this gene [PMID: 25085752].

Molecular Pathology, Peter Maccallum Cancer Centre
Classification: Likely benign for Breast-ovarian cancer, familial, susceptibility to, 2. Last evaluated: 2025-04-09. Review status: criteria provided, single submitter. Criteria: ACMG Guidelines, 2015. Collection method: clinical testing. Allele origin: germline. Inheritance: Autosomal dominant inheritance.

Department of Clinical Genetics, Copenhagen University Hospital, Rigshospitalet
Classification: Likely benign for Familial cancer of breast. Last evaluated: 2025-03-27. Review status: criteria provided, single submitter. Criteria: ACMG Guidelines, 2015. Collection method: clinical testing. Allele origin: germline.
Comment: The following ACMG criteria has been used: BP1_Strong (SpliceAI < 0.1).

PreventionGenetics, part of Exact Sciences
Classification: Uncertain significance for BRCA2-related condition. Last evaluated: 2025-03-20. Review status: criteria provided, single submitter. Criteria: ACMG Guidelines, 2015. Collection method: clinical testing. Allele origin: germline.
Comment: The BRCA2 c.5808G>A variant is predicted to result in the amino acid substitution p.Met1936Ile. This variant has been reported in individuals with a personal and/or family history of breast/ovarian cancer (Table 3, van der Hout et al. 2006. PubMed ID: 16683254; Figure 2, Matta et al. 2022. PubMed ID: 36329109). However, this variant occurs within a region of the BRCA2 gene that is predicted to be tolerant to missense variation (Table 2, Dines et al. 2020. PubMed ID: 31911673). An alternate missense change at the same amino acid position (p.Met1936Val) has been reported in an individual with esophageal squamous cell carcinoma (Zhong et al. 2011. PubMed ID: 22126563). This variant is reported in 0.0062% of alleles in individuals of African descent in gnomAD and is interpreted as a variant of uncertain significance or likely benign in ClinVar. At this time, the clinical significance of this variant is uncertain due to the absence of conclusive functional and genetic evidence.

All of Us Research Program, National Institutes of Health
Classification: Uncertain significance for Breast-ovarian cancer, familial, susceptibility to, 2. Last evaluated: 2023-06-28. Review status: criteria provided, single submitter. Criteria: ACMG Guidelines, 2015. Collection method: clinical testing. Allele origin: germline. Inheritance: Autosomal dominant inheritance. Observed: 2 variant alleles, 2 heterozygotes.
Comment: This missense variant replaces methionine with isoleucine at codon 1936 of the BRCA2 protein. Computational prediction suggests that this variant may not impact protein structure and function (internally defined REVEL score threshold <= 0.5, PMID: 27666373). Splice site prediction tools suggest that this variant may not impact RNA splicing. To our knowledge, functional studies have not been reported for this variant. This variant has been reported in an individual with personal and/or family history of breast and/or ovarian cancer (PMID: 16683254). This variant has also been identified in 2/250784 chromosomes in the general population by the Genome Aggregation Database (gnomAD). The available evidence is insufficient to determine the role of this variant in disease conclusively. Therefore, this variant is classified as a Variant of Uncertain Significance.

This study involves interpretation of variants in research participants for the purpose of population health screening. Participant phenotype was not available at the time of variant classification. Additional details can be found in publication PMID: 35346344, PMCID: PMC8962531

University of Washington Department of Laboratory Medicine, University of Washington
Classification: Likely benign for Hereditary cancer-predisposing syndrome. Last evaluated: 2023-03-23. Review status: criteria provided, single submitter. Criteria: Dines et al. (Genet Med. 2020). Collection method: curation. Allele origin: germline.
Comment: Missense variant in a coldspot region where missense variants are very unlikely to be pathogenic (PMID:31911673).

BRCA2 exon 11 coldspot. Reclassification based on statistical prior probability.

GeneDx
Classification: Uncertain significance. Last evaluated: 2022-11-28. Review status: criteria provided, single submitter. Criteria: GeneDx Variant Classification Process June 2021. Collection method: clinical testing. Allele origin: germline. Affected: yes.
Comment: Not observed at significant frequency in large population cohorts (gnomAD); In silico analysis supports that this missense variant does not alter protein structure/function; Observed in a family with breast and/or ovarian cancer (van der Hout et al., 2006); Also known as 6036G>A; This variant is associated with the following publications: (PMID: 22622578, 16683254, 32377563, 29884841)

Department of Pathology and Laboratory Medicine, Sinai Health System
Classification: Uncertain significance for Familial cancer of breast; Breast-ovarian cancer, familial, susceptibility to, 2. Last evaluated: 2022-04-19. Review status: criteria provided, single submitter. Criteria: ACMG Guidelines, 2015. Collection method: clinical testing. Allele origin: germline. Affected: yes.

Genetics Program, Instituto Nacional de Cancer
Classification: Uncertain significance for Hereditary breast ovarian cancer syndrome. Last evaluated: 2021-11-01. Review status: criteria provided, single submitter. Criteria: ACMG Guidelines, 2015. Collection method: research. Allele origin: germline. Affected: yes.

Genetic Services Laboratory, University of Chicago
Classification: Uncertain significance. Last evaluated: 2021-02-16. Review status: criteria provided, single submitter. Criteria: ACMG Guidelines, 2015. Collection method: clinical testing. Allele origin: germline. Affected: no.

Quest Diagnostics Nichols Institute San Juan Capistrano
Classification: Uncertain significance. Last evaluated: 2019-11-29. Review status: criteria provided, single submitter. Criteria: Quest Diagnostics criteria. Collection method: clinical testing. Allele origin: unknown.

Ambry Genetics
Classification: Likely benign for Hereditary cancer-predisposing syndrome. Last evaluated: 2019-02-08. Review status: criteria provided, single submitter. Criteria: Ambry Variant Classification Scheme 2023. Collection method: clinical testing. Allele origin: germline.

BRCAlab, Lund University
Classification: Uncertain significance for Breast-ovarian cancer, familial, susceptibility to, 2. Last evaluated: 2020-03-02. Review status: no assertion criteria provided. Collection method: clinical testing. Allele origin: germline. Affected: yes. Not counted in ClinVar's aggregate classification.

Counsyl
Classification: Uncertain significance for Breast-ovarian cancer, familial, susceptibility to, 2. Last evaluated: 2018-02-09. Review status: no assertion criteria provided. Collection method: clinical testing. Allele origin: unknown. Not counted in ClinVar's aggregate classification.

Literature cited by the submitters: PubMed 16683254 (cited by 6 submitters); PubMed 36329109 (cited by 3 submitters); PubMed 25085752 (cited by Myriad Genetics, Inc.).